The following is an entry in ClinVar:

ClinVar aggregate classification (germline): Uncertain significance. Review status: criteria provided, multiple submitters, no conflicts (2 of 4 stars). 3 submissions from 3 submitters: Uncertain significance (3). Last evaluated 2026-03-02.

Conditions:
Saldino-Mainzer syndrome (SRTD9). Also called: Renal dysplasia, retinal pigmentary dystrophy, cerebellar ataxia and skeletal dysplasia; SHORT-RIB THORACIC DYSPLASIA 9 WITHOUT POLYDACTYLY; short-rib thoracic dysplasia 9 with or without polydactyly; CONORENAL SYNDROME. Identifiers: Orphanet 140969, MedGen C1849437, MONDO:0009964, OMIM 266920.
Inborn genetic diseases. Identifiers: MedGen C0950123, MeSH D030342.
IFT140-related disorder. Also called: IFT140-related condition.

gnomAD v4.1: 4 of 1,607,172 alleles (0.00025%); highest among the groups gnomAD compares: Non-Finnish European, 0.00017%; no homozygotes.

Submissions (3):

Ambry Genetics
Classification: Uncertain significance for Inborn genetic diseases. Last evaluated: 2026-03-02. Review status: criteria provided, single submitter. Criteria: Ambry Variant Classification Scheme 2023. Collection method: clinical testing. Allele origin: germline.

PreventionGenetics, part of Exact Sciences
Classification: Uncertain significance for IFT140-related condition. Last evaluated: 2025-07-30. Review status: criteria provided, single submitter. Criteria: ACMG Guidelines, 2015. Collection method: clinical testing. Allele origin: germline.
Comment: The IFT140 c.1747A>G variant is predicted to result in the amino acid substitution p.Thr583Ala. To our knowledge, this variant has not been reported in the literature or in a large population database (gnomAD), indicating this variant is rare. At this time, the clinical significance of this variant is uncertain due to the absence of conclusive functional and genetic evidence.

Labcorp Genetics (formerly Invitae), Labcorp
Classification: Uncertain significance for Saldino-Mainzer syndrome. Last evaluated: 2025-01-19. Review status: criteria provided, single submitter. Criteria: Invitae Variant Classification Sherloc (09022015). Collection method: clinical testing. Allele origin: germline.
Comment: This sequence change replaces threonine, which is neutral and polar, with alanine, which is neutral and non-polar, at codon 583 of the IFT140 protein (p.Thr583Ala). This variant is not present in population databases (gnomAD no frequency). This variant has not been reported in the literature in individuals affected with IFT140-related conditions. Invitae Evidence Modeling of protein sequence and biophysical properties (such as structural, functional, and spatial information, amino acid conservation, physicochemical variation, residue mobility, and thermodynamic stability) indicates that this missense variant is not expected to disrupt IFT140 protein function with a negative predictive value of 95%. In summary, the available evidence is currently insufficient to determine the role of this variant in disease. Therefore, it has been classified as a Variant of Uncertain Significance.

NM_014714.4(IFT140):c.1747A>G (p.Thr583Ala)

Gene: IFT140 (intraflagellar transport 140; minus strand). Cytogenetic location: 16p13.3.
Variant type: single nucleotide variant.
Coding change: c.1747A>G on transcript NM_014714.4 (MANE Select); coding-DNA position 1747, A replaced by G.
Protein change: p.Thr583Ala; replaces threonine 583 with alanine.
Molecular consequence: missense variant.
Genome position (GRCh38, 1-based): chr16:1,568,240, T>C on the plus strand (A>G on the coding strand, the complement: IFT140 is on the minus strand). VCF-style: chr16-1568240-T-C. GRCh37 (hg19) VCF-style: chr16-1618241-T-C.
Other names: c.1747A>G (NM_014714.3); short protein forms T583A.
Identifiers: ClinVar variation 3631359 (VCV003631359.4).